The following is an entry in ClinVar:

NM_172071.4(RC3H1):c.2555G>A (p.Arg852Gln)

Genes: RC3H1 (ring finger and CCCH-type domains 1; minus strand), LOC126805924 (MED14-independent group 3 enhancer GRCh37_chr1:173915901-173917100; plus strand). Cytogenetic location: 1q25.1.
Variant type: single nucleotide variant.
Coding change: c.2555G>A on transcript NM_172071.4 (MANE Select); coding-DNA position 2555, G replaced by A.
Protein change: p.Arg852Gln; replaces arginine 852 with glutamine.
Molecular consequence: missense variant.
Genome position (GRCh38, 1-based): chr1:173,947,551, C>T on the plus strand (G>A on the coding strand, the complement: RC3H1 is on the minus strand). VCF-style: chr1-173947551-C-T. GRCh37 (hg19) VCF-style: chr1-173916689-C-T.
Other names: c.2555G>A, p.Arg852Gln (NM_001300852.1, NM_001300850.1, NM_001300851.1); short protein forms R852Q.
Identifiers: ClinVar variation 2639568 (VCV002639568.24), dbSNP rs147276380, ClinGen allele CA1251715.
Genomic context (GRCh38, chr1:173,947,551, plus strand): 5'-TCTCCAAATGGGATGAGGTCATCATCACTGGTTTCTGCTGCTCTTCTCTGAAGATCTAAT[C>T]GCTGGTCCCTCATTCCTTTACTCTCCACATTCTGATAAAAAAGCAAAATGAGAAATTACC-3'
Protein context (NP_742068.1, residues 842-862): NVESKGMRDQ[Arg852Gln]LDLQRRAAET

ClinVar aggregate classification (germline): Likely benign (1 of 4 stars; one submission).

Allele frequency attached by ClinVar (database versions not stated): ESP Exome Variant Server 0.00054; gnomAD 0.00056; TOPMed 0.00063; ExAC 0.00098.
gnomAD v4.1: 741 of 1,613,842 alleles (0.046%); highest among the groups gnomAD compares: Admixed American, 0.19%; 2 homozygotes.

Submission:

CeGaT Center for Human Genetics Tuebingen
Classification: Likely benign. Last evaluated: 2022-07-01. Review status: criteria provided, single submitter. Criteria: CeGaT Center For Human Genetics Tuebingen Variant Classification Criteria Version 2. Collection method: clinical testing. Allele origin: germline. Affected: yes. Observed: 1 variant allele.
Comment: RC3H1: BP4